The following is an entry in ClinVar:

NM_001348768.2(HECW2):c.576T>G (p.Leu192=)

Gene: HECW2 (HECT, C2 and WW domain containing E3 ubiquitin protein ligase 2; minus strand). Cytogenetic location: 2q32.3.
Variant type: single nucleotide variant.
Coding change: c.576T>G on transcript NM_001348768.2 (MANE Select); coding-DNA position 576, T replaced by G.
Protein change: p.Leu192=; no amino-acid change (leucine 192 retained).
Molecular consequence: synonymous variant. On other transcripts: intron variant (1).
Genome position (GRCh38, 1-based): chr2:196,325,145, A>C on the plus strand (T>G on the coding strand, the complement: HECW2 is on the minus strand). VCF-style: chr2-196325145-A-C. GRCh37 (hg19) VCF-style: chr2-197189869-A-C.
Other names: c.576T>G, p.Leu192= (NM_020760.4); c.-325-67T>G (NM_001304840.3).
Identifiers: ClinVar variation 2651790 (VCV002651790.24), dbSNP rs775146286, ClinGen allele CA2038501.

ClinVar aggregate classification (germline): Likely benign (1 of 4 stars; one submission).

Allele frequency attached by ClinVar (database versions not stated): ExAC 0.00001; gnomAD exomes 0.00002; gnomAD 0.00003; TOPMed 0.00003.
gnomAD v4.1: 36 of 1,578,868 alleles (0.0023%); highest among the groups gnomAD compares: Non-Finnish European, 0.0029%; no homozygotes.

Submission:

CeGaT Center for Human Genetics Tuebingen
Classification: Likely benign. Last evaluated: 2023-04-01. Review status: criteria provided, single submitter. Criteria: CeGaT Center For Human Genetics Tuebingen Variant Classification Criteria Version 2. Collection method: clinical testing. Allele origin: germline. Affected: yes. Observed: 2 variant alleles.
Comment: HECW2: BP4, BP7